The following is an entry in ClinVar:

ClinVar aggregate classification (germline): Uncertain significance. Review status: criteria provided, multiple submitters, no conflicts (2 of 4 stars). 2 submissions from 2 submitters: Uncertain significance (2). Last evaluated 2025-04-24.

Conditions:
KSR2-related disorder. Also called: KSR2-related condition.

gnomAD v4.1: 3 of 1,614,000 alleles (0.00019%); highest among the groups gnomAD compares: Non-Finnish European, 0.00025%; no homozygotes.

Submissions (2):

PreventionGenetics, part of Exact Sciences
Classification: Uncertain significance for KSR2-related condition. Last evaluated: 2025-04-24. Review status: criteria provided, single submitter. Criteria: ACMG Guidelines, 2015. Collection method: clinical testing. Allele origin: germline.
Comment: The KSR2 c.2317A>G variant is predicted to result in the amino acid substitution p.Thr773Ala. To our knowledge, this variant has not been reported in the literature or in a large population database (gnomAD), indicating this variant is rare. At this time, the clinical significance of this variant is uncertain due to the absence of conclusive functional and genetic evidence.

Ambry Genetics
Classification: Uncertain significance. Last evaluated: 2024-03-19. Review status: criteria provided, single submitter. Criteria: Ambry Variant Classification Scheme 2023. Collection method: clinical testing. Allele origin: germline.

NM_173598.6(KSR2):c.2404A>G (p.Thr802Ala)

Gene: KSR2 (kinase suppressor of ras 2; minus strand). Cytogenetic location: 12q24.22.
Variant type: single nucleotide variant.
Coding change: c.2404A>G on transcript NM_173598.6 (MANE Select); coding-DNA position 2404, A replaced by G.
Protein change: p.Thr802Ala; replaces threonine 802 with alanine.
Molecular consequence: missense variant.
Genome position (GRCh38, 1-based): chr12:117,484,462, T>C on the plus strand (A>G on the coding strand, the complement: KSR2 is on the minus strand). VCF-style: chr12-117484462-T-C. GRCh37 (hg19) VCF-style: chr12-117922267-T-C.
Other names: short protein forms T802A.
Identifiers: ClinVar variation 3289786 (VCV003289786.2).